The following is an entry in ClinVar:

ClinVar aggregate classification (germline): Uncertain significance. Review status: criteria provided, multiple submitters, no conflicts (2 of 4 stars). 3 submissions from 3 submitters: Uncertain significance (3). Last evaluated 2025-05-01.

Conditions:
CAPN3-related disorder. Also called: CAPN3-related disorders; CAPN3-related condition. Identifiers: MedGen CN239245.
Autosomal recessive limb-girdle muscular dystrophy type 2A (LGMDR1). Also called: LEYDEN-MOEBIUS MUSCULAR DYSTROPHY; MUSCULAR DYSTROPHY, PELVOFEMORAL; Limb-girdle muscular dystrophy, type 2A; Calpainopathy; Muscular dystrophy, limb-girdle, type 2A, Amish. Identifiers: Orphanet 267, MedGen C1869123, MONDO:0009675, OMIM 253600. Disease mechanism: loss of function.

Allele frequency attached by ClinVar (database versions not stated): gnomAD exomes below 0.00001; TOPMed below 0.00001; gnomAD 0.00001.
gnomAD v4.1: 3 of 1,613,926 alleles (0.00019%); highest among the groups gnomAD compares: East Asian, 0.0022%; no homozygotes.

Submissions (3):

PreventionGenetics, part of Exact Sciences
Classification: Uncertain significance for CAPN3-related condition. Last evaluated: 2025-05-01. Review status: criteria provided, single submitter. Criteria: ACMG Guidelines, 2015. Collection method: clinical testing. Allele origin: germline.
Comment: The CAPN3 c.733C>T variant is predicted to result in the amino acid substitution p.Pro245Ser. To our knowledge, this variant has not been reported in the literature. This variant is reported in 0.0029% of alleles in individuals of Latino descent in gnomAD. At this time, the clinical significance of this variant is uncertain due to the absence of conclusive functional and genetic evidence.

Revvity Omics, Revvity
Classification: Uncertain significance. Last evaluated: 2024-08-20. Review status: criteria provided, single submitter. Criteria: ACMG Guidelines, 2015. Collection method: clinical testing. Allele origin: germline.

Labcorp Genetics (formerly Invitae), Labcorp
Classification: Uncertain significance for Autosomal recessive limb-girdle muscular dystrophy type 2A. Last evaluated: 2022-04-11. Review status: criteria provided, single submitter. Criteria: Invitae Variant Classification Sherloc (09022015). Collection method: clinical testing. Allele origin: germline.
Comment: This sequence change replaces proline, which is neutral and non-polar, with serine, which is neutral and polar, at codon 245 of the CAPN3 protein (p.Pro245Ser). This variant is present in population databases (no rsID available, gnomAD 0.003%). This variant has not been reported in the literature in individuals affected with CAPN3-related conditions. Algorithms developed to predict the effect of missense changes on protein structure and function are either unavailable or do not agree on the potential impact of this missense change (SIFT: "Deleterious"; PolyPhen-2: "Benign"; Align-GVGD: "Class C65"). In summary, the available evidence is currently insufficient to determine the role of this variant in disease. Therefore, it has been classified as a Variant of Uncertain Significance.

NM_000070.3(CAPN3):c.733C>T (p.Pro245Ser)

Gene: CAPN3 (calpain 3; plus strand). Cytogenetic location: 15q15.1.
Variant type: single nucleotide variant.
Coding change: c.733C>T on transcript NM_000070.3 (MANE Select); coding-DNA position 733, C replaced by T.
Protein change: p.Pro245Ser; replaces proline 245 with serine.
Molecular consequence: missense variant.
Genome position (GRCh38, 1-based): chr15:42,389,028, C>T. VCF-style: chr15-42389028-C-T. GRCh37 (hg19) VCF-style: chr15-42681226-C-T.
Other names: c.733C>T (NM_000070.2); c.733C>T, p.Pro245Ser (NM_024344.2, NM_173087.2); c.472C>T, p.Pro158Ser (NM_212464.2); c.*426C>T (NM_212467.2); short protein forms P158S, P245S.
Identifiers: ClinVar variation 1925279 (VCV001925279.4), dbSNP rs1193170911, ClinGen allele CA391998261.